The following is an entry in ClinVar:

NM_002439.5(MSH3):c.3131-1G>A

Gene: MSH3 (mutS homolog 3; plus strand). Cytogenetic location: 5q14.1.
Variant type: single nucleotide variant.
Coding change: c.3131-1G>A on transcript NM_002439.5 (MANE Select); the canonical splice acceptor site of the intron before coding-DNA position 3131, G replaced by A.
Molecular consequence: splice acceptor variant.
Genome position (GRCh38, 1-based): chr5:80,873,115, G>A. VCF-style: chr5-80873115-G-A. GRCh37 (hg19) VCF-style: chr5-80168934-G-A.
Identifiers: ClinVar variation 2007802 (VCV002007802.4), dbSNP rs763377072, ClinGen allele CA3328466.

ClinVar aggregate classification (germline): Likely pathogenic (1 of 4 stars; one submission).

Allele frequency attached by ClinVar (database versions not stated): ExAC 0.00001; gnomAD 0.00001.
gnomAD v4.1: 1 of 1,612,502 alleles (0.000062%); highest among the groups gnomAD compares: Non-Finnish European, 0.000085%; no homozygotes.

Submission:

Labcorp Genetics (formerly Invitae), Labcorp
Classification: Likely pathogenic. Last evaluated: 2022-06-18. Review status: criteria provided, single submitter. Criteria: Invitae Variant Classification Sherloc (09022015). Collection method: clinical testing. Allele origin: germline.
Comment: In summary, the currently available evidence indicates that the variant is pathogenic, but additional data are needed to prove that conclusively. Therefore, this variant has been classified as Likely Pathogenic. This sequence change affects an acceptor splice site in intron 22 of the MSH3 gene. It is expected to disrupt RNA splicing. Variants that disrupt the donor or acceptor splice site typically lead to a loss of protein function (PMID: 16199547), and loss-of-function variants in MSH3 are known to be pathogenic (PMID: 27476653). This variant is present in population databases (rs763377072, gnomAD 0.0009%). This variant has not been reported in the literature in individuals affected with MSH3-related conditions. Algorithms developed to predict the effect of sequence changes on RNA splicing suggest that this variant may disrupt the consensus splice site.

Literature cited by the submitters: PubMed 16199547; PubMed 27476653.